The following is an entry in ClinVar:

NM_022367.4(SEMA4A):c.95G>T (p.Gly32Val)

Gene: SEMA4A (semaphorin 4A; plus strand). Cytogenetic location: 1q22.
Variant type: single nucleotide variant.
Coding change: c.95G>T on transcript NM_022367.4 (MANE Select); coding-DNA position 95, G replaced by T.
Protein change: p.Gly32Val; replaces glycine 32 with valine.
Molecular consequence: missense variant. On other transcripts: 5 prime UTR variant (1), intron variant (3).
Genome position (GRCh38, 1-based): chr1:156,154,673, G>T. VCF-style: chr1-156154673-G-T. GRCh37 (hg19) VCF-style: chr1-156124464-G-T.
Other names: c.95G>T, p.Gly32Val (NM_001193300.2, NM_001193301.2, NM_001370567.1); c.-430G>T (NM_001370571.1); c.-385-1741G>T (NM_001370569.1); c.-158-1741G>T (NM_001370568.1); c.-159+909G>T (NM_001193302.2); short protein forms G32V.
Identifiers: ClinVar variation 292844 (VCV000292844.12), dbSNP rs577740555, ClinGen allele CA1154904.

ClinVar aggregate classification (germline): Conflicting classifications of pathogenicity. Review status: criteria provided, conflicting classifications (1 of 4 stars). 5 submissions from 4 submitters: Uncertain significance (4); Likely benign (1). Last evaluated 2024-07-06.

Conditions:
Retinitis pigmentosa (RP). Identifiers: Orphanet 791, MedGen C0035334, MeSH D012174, MONDO:0019200, OMIM 268000. Inheritance: Autosomal dominant, autosomal recessive and X linked inheritance.
Cone-rod dystrophy 10 (CORD10). Identifiers: Orphanet 1872, MedGen C1846529, MONDO:0012464, OMIM 610283.

Allele frequency attached by ClinVar (database versions not stated): 1000 Genomes Project 30x 0.00016; TOPMed 0.00017; 1000 Genomes Project 0.00020.
gnomAD v4.1: 85 of 1,599,936 alleles (0.0053%); highest among the groups gnomAD compares: African/African-American, 0.031%; no homozygotes.

Submissions (5):

Labcorp Genetics (formerly Invitae), Labcorp
Classification: Uncertain significance. Last evaluated: 2024-07-06. Review status: criteria provided, single submitter. Criteria: Invitae Variant Classification Sherloc (09022015). Collection method: clinical testing. Allele origin: germline.
Comment: This sequence change replaces glycine, which is neutral and non-polar, with valine, which is neutral and non-polar, at codon 32 of the SEMA4A protein (p.Gly32Val). This variant is present in population databases (rs577740555, gnomAD 0.02%). This variant has not been reported in the literature in individuals affected with SEMA4A-related conditions. ClinVar contains an entry for this variant (Variation ID: 292844). Algorithms developed to predict the effect of missense changes on protein structure and function output the following: SIFT: "Not Available"; PolyPhen-2: "Benign"; Align-GVGD: "Not Available". The valine amino acid residue is found in multiple mammalian species, which suggests that this missense change does not adversely affect protein function. In summary, the available evidence is currently insufficient to determine the role of this variant in disease. Therefore, it has been classified as a Variant of Uncertain Significance.

Blueprint Genetics
Classification: Uncertain significance. Last evaluated: 2024-04-26. Review status: criteria provided, single submitter. Criteria: ACMG Guidelines, 2015. Collection method: clinical testing. Allele origin: germline.

Ambry Genetics
Classification: Uncertain significance. Last evaluated: 2021-09-01. Review status: criteria provided, single submitter. Criteria: Ambry Variant Classification Scheme 2023. Collection method: clinical testing. Allele origin: germline.

Illumina Laboratory Services, Illumina
Classification: Uncertain significance for Cone-rod dystrophy 10. Last evaluated: 2018-01-13. Review status: criteria provided, single submitter. Criteria: ICSL Variant Classification Criteria 13 December 2019. Collection method: clinical testing. Allele origin: germline.

Illumina Laboratory Services, Illumina
Classification: Likely benign for Retinitis pigmentosa. Last evaluated: 2018-01-13. Review status: criteria provided, single submitter. Criteria: ICSL Variant Classification Criteria 13 December 2019. Collection method: clinical testing. Allele origin: germline.
Comment: This variant was observed in the ICSL laboratory as part of a predisposition screen in an ostensibly healthy population. It had not been previously curated by ICSL or reported in the Human Gene Mutation Database (HGMD: prior to June 1st, 2018), and was therefore a candidate for classification through an automated scoring system. Utilizing variant allele frequency, disease prevalence and penetrance estimates, and inheritance mode, an automated score was calculated to assess if this variant is too frequent to cause the disease. Based on the score and internal cut-off values, a variant classified as likely benign is not then subjected to further curation. The score for this variant resulted in a classification of likely benign for this disease.